The following is an entry in ClinVar:

NM_004364.5(CEBPA):c.179C>T (p.Thr60Met)

Gene: CEBPA (CCAAT enhancer binding protein alpha; minus strand). Cytogenetic location: 19q13.11.
Variant type: single nucleotide variant.
Coding change: c.179C>T on transcript NM_004364.5 (MANE Select); coding-DNA position 179, C replaced by T.
Protein change: p.Thr60Met; replaces threonine 60 with methionine.
Molecular consequence: missense variant. On other transcripts: 5 prime UTR variant (1).
Genome position (GRCh38, 1-based): chr19:33,302,236, G>A on the plus strand (C>T on the coding strand, the complement: CEBPA is on the minus strand). VCF-style: chr19-33302236-G-A. GRCh37 (hg19) VCF-style: chr19-33793142-G-A.
Other names: c.-179C>T (NM_001285829.2); c.284C>T, p.Thr95Met (NM_001287424.2); c.137C>T, p.Thr46Met (NM_001287435.2); c.179C>T (NM_004364.3); short protein forms T60M, T46M, T95M.
Identifiers: ClinVar variation 408746 (VCV000408746.12), dbSNP rs1060502119, ClinGen allele CA16616040.

ClinVar aggregate classification (germline): Conflicting classifications of pathogenicity. Review status: criteria provided, conflicting classifications (1 of 4 stars). 2 submissions from 2 submitters: Uncertain significance (1); Likely benign (1). Last evaluated 2025-07-31.

Conditions:
Acute myeloid leukemia (AML). Also called: Leukemia, acute myeloid, somatic; Leukemia, acute myelogenous, somatic; Acute myeloid leukemia, adult; AML adult; Acute non-lymphocytic leukemia; Acute granulocytic leukemia. Identifiers: Orphanet 519, MedGen C0023467, MeSH D015470, MONDO:0018874, OMIM 601626, HP:0004808. Disease mechanism: Constitutively activated FLT3.
Inborn genetic diseases. Identifiers: MedGen C0950123, MeSH D030342.

Allele frequency attached by ClinVar (database versions not stated): gnomAD exomes 0.00001.

Submissions (2):

Labcorp Genetics (formerly Invitae), Labcorp
Classification: Uncertain significance for Acute myeloid leukemia. Last evaluated: 2025-07-31. Review status: criteria provided, single submitter. Criteria: Invitae Variant Classification Sherloc (09022015). Collection method: clinical testing. Allele origin: germline.
Comment: This sequence change replaces threonine, which is neutral and polar, with methionine, which is neutral and non-polar, at codon 60 of the CEBPA protein (p.Thr60Met). The frequency data for this variant in the population databases is considered unreliable, as metrics indicate poor data quality at this position in the gnomAD database. This variant has not been reported in the literature in individuals affected with CEBPA-related conditions. ClinVar contains an entry for this variant (Variation ID: 408746). Invitae Evidence Modeling of protein sequence and biophysical properties (such as structural, functional, and spatial information, amino acid conservation, physicochemical variation, residue mobility, and thermodynamic stability) indicates that this missense variant is not expected to disrupt CEBPA protein function with a negative predictive value of 80%. In summary, the available evidence is currently insufficient to determine the role of this variant in disease. Therefore, it has been classified as a Variant of Uncertain Significance.

Ambry Genetics
Classification: Likely benign for Inborn genetic diseases. Last evaluated: 2025-07-23. Review status: criteria provided, single submitter. Criteria: Ambry Variant Classification Scheme 2023. Collection method: clinical testing. Allele origin: germline.